The following is an entry in ClinVar:

NM_000132.4(F8):c.191T>G (p.Val64Gly)

Gene: F8 (coagulation factor VIII; minus strand). Cytogenetic location: Xq28.
Variant type: single nucleotide variant.
Coding change: c.191T>G on transcript NM_000132.4 (MANE Select); coding-DNA position 191, T replaced by G.
Protein change: p.Val64Gly; replaces valine 64 with glycine.
Molecular consequence: missense variant.
Genome position (GRCh38, 1-based): chrX:154,999,553, A>C on the plus strand (T>G on the coding strand, the complement: F8 is on the minus strand). VCF-style: chrX-154999553-A-C. GRCh37 (hg19) VCF-style: chrX-154227828-A-C.
Other names: short protein forms V64G.
Identifiers: ClinVar variation 3768994 (VCV003768994.1).
Genomic context (GRCh38, chrX:154,999,553, plus strand): 5'-CTTGGCTTAGCGATGTTGAAAAGGTGATCCGTGAATTCTACAAACAGAGTCTTTTTGTAC[A>C]CGACTGAGGTGTTGAATGGAAAAGATTTTGGCACTCTAGGAGGAAATCTGCGTGAAGAAA-3'
Protein context (NP_000123.1, residues 54-74): PKSFPFNTSV[Val64Gly]YKKTLFVEFT

ClinVar aggregate classification (germline): Uncertain significance (1 of 4 stars; one submission).

gnomAD v4.1: 96 of 1,206,936 alleles (0.008%); highest among the groups gnomAD compares: African/African-American, 0.15%; no homozygotes.

Submission:

Women's Health and Genetics/Laboratory Corporation of America, LabCorp
Classification: Uncertain significance. Last evaluated: 2025-02-18. Review status: criteria provided, single submitter. Criteria: LabCorp Variant Classification Summary - May 2015. Collection method: clinical testing. Allele origin: germline.
Comment: Variant summary: F8 c.191T>G (p.Val64Gly) results in a non-conservative amino acid change in the encoded protein sequence. Three of five in-silico tools predict a damaging effect of the variant on protein function. The variant allele was found at a frequency of 0.00016 in 183458 control chromosomes, predominantly at a frequency of 0.002 within the African or African-American subpopulation in the gnomAD database, including 9 hemizygotes. This frequency is not significantly higher than estimated for a pathogenic variant in F8 causing Factor VIII Deficiency (Hemophilia A) (0.00016 vs 0.0098), allowing no conclusion about variant significance. To our knowledge, no occurrence of c.191T>G in individuals affected with Factor VIII Deficiency (Hemophilia A) and no experimental evidence demonstrating its impact on protein function have been reported. No submitters have cited clinical-significance assessments for this variant to ClinVar. Based on the evidence outlined above, the variant was classified as uncertain significance.

Literature cited by the submitters: PubMed 32166871.